The following is an entry in ClinVar:

ClinVar aggregate classification (germline): Conflicting classifications of pathogenicity. Review status: criteria provided, conflicting classifications (1 of 4 stars). 5 submissions from 5 submitters: Likely pathogenic (2); Uncertain significance (2). 1 of the submissions does not count toward it. Last evaluated 2024-05-25.

Conditions:
CFTR-related disorder (CFTR-RD). Also called: CFTR-related condition; CFTR-related disorders. Identifiers: MedGen C5924204, MONDO:7770004.
Cystic fibrosis (CF). Also called: MUCOVISCIDOSIS. Identifiers: Orphanet 586, MedGen C0010674, MONDO:0009061, OMIM 219700. Disease mechanism: loss of function.

Allele frequency attached by ClinVar (database versions not stated): gnomAD exomes below 0.00001; TOPMed below 0.00001.
gnomAD v4.1: 1 of 1,606,410 alleles (0.000062%); highest among the groups gnomAD compares: Non-Finnish European, 0.000085%; no homozygotes.

Submissions (5):

Labcorp Genetics (formerly Invitae), Labcorp
Classification: Uncertain significance for Cystic fibrosis. Last evaluated: 2024-05-25. Review status: criteria provided, single submitter. Criteria: Invitae Variant Classification Sherloc (09022015). Collection method: clinical testing. Allele origin: germline.
Comment: This sequence change replaces glycine, which is neutral and non-polar, with glutamic acid, which is acidic and polar, at codon 178 of the CFTR protein (p.Gly178Glu). This variant is present in population databases (rs397508748, gnomAD 0.0009%). This missense change has been observed in individual(s) with CFTR-related conditions (PMID: 23276700). ClinVar contains an entry for this variant (Variation ID: 53992). Advanced modeling of protein sequence and biophysical properties (such as structural, functional, and spatial information, amino acid conservation, physicochemical variation, residue mobility, and thermodynamic stability) performed at Invitae indicates that this missense variant is expected to disrupt CFTR protein function with a positive predictive value of 80%. This variant disrupts the p.Gly178 amino acid residue in CFTR. Other variant(s) that disrupt this residue have been determined to be pathogenic (PMID: 1710599, 15638824, 23974870, 29133775). This suggests that this residue is clinically significant, and that variants that disrupt this residue are likely to be disease-causing. In summary, the available evidence is currently insufficient to determine the role of this variant in disease. Therefore, it has been classified as a Variant of Uncertain Significance.

Ambry Genetics
Classification: Uncertain significance for Cystic fibrosis. Last evaluated: 2024-01-11. Review status: criteria provided, single submitter. Criteria: Ambry Variant Classification Scheme 2023. Collection method: clinical testing. Allele origin: germline.
Comment: The p.G178E variant (also known as c.533G>A), located in coding exon 5 of the CFTR gene, results from a G to A substitution at nucleotide position 533. The glycine at codon 178 is replaced by glutamic acid, an amino acid with similar properties. This alteration was identified in an individual with a clinical diagnosis of cystic fibrosis (Kenkov&aacute; P et al. J Cyst Fibros, 2013 Sep;12:532-7). This amino acid position is highly conserved in available vertebrate species. In addition, this alteration is predicted to be deleterious by in silico analysis. Since supporting evidence is limited at this time, the clinical significance of this alteration remains unclear.

Blueprint Genetics
Classification: Likely pathogenic for CFTR-related disorders. Last evaluated: 2022-10-11. Review status: criteria provided, single submitter. Criteria: ACMG Guidelines, 2015. Collection method: clinical testing. Allele origin: germline. Affected: yes. Observed: 1 variant allele.

Institute of Human Genetics, University of Leipzig Medical Center
Classification: Likely pathogenic for Cystic fibrosis. Last evaluated: 2022-09-05. Review status: criteria provided, single submitter. Criteria: ACMG Guidelines, 2015. Collection method: curation. Allele origin: unknown. Affected: yes. Observed: 2 variant alleles.
Comment: This variant was identified in 2 unrelated patients with a clinically confirmed diagnosis of cystic fibrosis. The variant was classified in the context of a project re-classifying variants in the German Cystic Fibrosis Registry (Muko.e.V.). Criteria applied: PM2_SUP, PM3, PM5, PP3, PP4

Counsyl
Classification: Uncertain significance for Cystic fibrosis. Last evaluated: 2017-07-25. Review status: no assertion criteria provided. Collection method: clinical testing. Allele origin: unknown. Not counted in ClinVar's aggregate classification.

Literature cited by the submitters: PubMed 23276700 (cited by 3 submitters); PubMed 1710599 (cited by Labcorp Genetics (formerly Invitae), Labcorp); PubMed 15638824 (cited by Labcorp Genetics (formerly Invitae), Labcorp); PubMed 23974870 (cited by Labcorp Genetics (formerly Invitae), Labcorp); PubMed 29133775 (cited by Labcorp Genetics (formerly Invitae), Labcorp); PubMed 23420618 (cited by Counsyl).

NM_000492.4(CFTR):c.533G>A (p.Gly178Glu)

Gene: CFTR (CF transmembrane conductance regulator; plus strand). Cytogenetic location: 7q31.2.
Variant type: single nucleotide variant.
Coding change: c.533G>A on transcript NM_000492.4 (MANE Select); coding-DNA position 533, G replaced by A.
Protein change: p.Gly178Glu; replaces glycine 178 with glutamic acid.
Molecular consequence: missense variant.
Genome position (GRCh38, 1-based): chr7:117,534,319, G>A. VCF-style: chr7-117534319-G-A. GRCh37 (hg19) VCF-style: chr7-117174373-G-A.
Other names: short protein forms G178E.
Identifiers: ClinVar variation 53992 (VCV000053992.7), dbSNP rs397508748, ClinGen allele CA327554.